The following is an entry in ClinVar:

ClinVar aggregate classification (germline): Uncertain significance (1 of 4 stars; one submission).

Conditions:
Inborn genetic diseases. Identifiers: MedGen C0950123, MeSH D030342.

gnomAD v4.1: 56 of 1,608,038 alleles (0.0035%); highest among the groups gnomAD compares: Non-Finnish European, 0.0046%; no homozygotes.

Submission:

Ambry Genetics
Classification: Uncertain significance for Inborn genetic diseases. Last evaluated: 2026-05-19. Review status: criteria provided, single submitter. Criteria: Ambry Variant Classification Scheme 2023. Collection method: clinical testing. Allele origin: germline.
Comment: The c.5245A>G (p.N1749D) alteration is located in exon 25 (coding exon 25) of the SPTB gene. This alteration results from a A to G substitution at nucleotide position 5245, causing the asparagine (N) at amino acid position 1749 to be replaced by an aspartic acid (D). Based on data from gnomAD, the G allele has an overall frequency of 0.002% (5/249586) total alleles studied. The highest observed frequency was 0.004% (5/112766) of European (non-Finnish) alleles. Based on insufficient or conflicting evidence, the clinical significance of this alteration remains unclear.

NM_001355436.2(SPTB):c.5245A>G (p.Asn1749Asp)

Gene: SPTB (spectrin beta, erythrocytic; minus strand). Cytogenetic location: 14q23.3.
Variant type: single nucleotide variant.
Coding change: c.5245A>G on transcript NM_001355436.2 (MANE Select); coding-DNA position 5245, A replaced by G.
Protein change: p.Asn1749Asp; replaces asparagine 1749 with aspartic acid.
Molecular consequence: missense variant.
Genome position (GRCh38, 1-based): chr14:64,772,888, T>C on the plus strand (A>G on the coding strand, the complement: SPTB is on the minus strand). VCF-style: chr14-64772888-T-C. GRCh37 (hg19) VCF-style: chr14-65239606-T-C.
Other names: NM_000347.5:c.5245A>G; c.5245A>G, p.Asn1749Asp (NM_001024858.4, NM_001355437.2); short protein forms N1749D.
Identifiers: ClinVar variation 4865068 (VCV004865068.1).